The following is an entry in ClinVar:

ClinVar aggregate classification (germline): Uncertain significance (1 of 4 stars; one submission).

Conditions:
CREBBP-related disorder. Also called: CREBBP-related condition; CREBBP-related disorders.

Submission:

PreventionGenetics, part of Exact Sciences
Classification: Uncertain significance for CREBBP-related condition. Last evaluated: 2025-12-02. Review status: criteria provided, single submitter. Criteria: ACMG Guidelines, 2015. Collection method: clinical testing. Allele origin: germline.
Comment: The CREBBP c.6656_6667del12 variant is predicted to result in an in-frame deletion (p.Ala2219_Ala2222del). To our knowledge, this variant has not been reported in the literature or in a large population database (gnomAD), indicating this variant is rare. At this time, the clinical significance of this variant is uncertain due to the absence of conclusive functional and genetic evidence.

NM_004380.3(CREBBP):c.6656_6667del (p.Ala2219_Ala2222del)

Gene: CREBBP (CREB binding lysine acetyltransferase; minus strand). Cytogenetic location: 16p13.3.
Variant type: Deletion.
Coding change: c.6656_6667del on transcript NM_004380.3 (MANE Select); coding-DNA positions 6656 to 6667, 12 bases deleted (CCGGCATGGCTG).
Protein change: p.Ala2219_Ala2222del.
Molecular consequence: inframe deletion.
Genome position (GRCh38, 1-based): chr16:3,728,380-3,728,391, CAGCCATGCCGG deleted on the plus strand (CCGGCATGGCTG on the coding strand, the reverse complement: CREBBP is on the minus strand); deleting any 12 consecutive bases within chr16:3,728,380-3,728,393 gives the same sequence; the c. name uses the placement nearest the transcript's 3' end. VCF-style (leftmost placement, unchanged base first): chr16-3728379-CCAGCCATGCCGG-C. GRCh37 (hg19) VCF-style: chr16-3778380-CCAGCCATGCCGG-C.
Other names: c.6542_6553del, p.Ala2181_Ala2184del (NM_001079846.1).
Identifiers: ClinVar variation 4993706 (VCV004993706.1).